The following is an entry in ClinVar:

ClinVar aggregate classification (germline): Uncertain significance (1 of 4 stars; one submission).

Allele frequency attached by ClinVar (database versions not stated): ExAC 0.00002.
gnomAD v4.1: 5 of 1,614,122 alleles (0.00031%); highest among the groups gnomAD compares: South Asian, 0.0011%; no homozygotes.

Submission:

Labcorp Genetics (formerly Invitae), Labcorp
Classification: Uncertain significance. Last evaluated: 2023-10-08. Review status: criteria provided, single submitter. Criteria: Invitae Variant Classification Sherloc (09022015). Collection method: clinical testing. Allele origin: germline.
Comment: This sequence change replaces threonine, which is neutral and polar, with isoleucine, which is neutral and non-polar, at codon 571 of the ARHGEF10 protein (p.Thr571Ile). This variant is present in population databases (rs755033103, gnomAD 0.002%). This variant has not been reported in the literature in individuals affected with ARHGEF10-related conditions. Advanced modeling of protein sequence and biophysical properties (such as structural, functional, and spatial information, amino acid conservation, physicochemical variation, residue mobility, and thermodynamic stability) has been performed at Invitae for this missense variant, however the output from this modeling did not meet the statistical confidence thresholds required to predict the impact of this variant on ARHGEF10 protein function. In summary, the available evidence is currently insufficient to determine the role of this variant in disease. Therefore, it has been classified as a Variant of Uncertain Significance.

NM_014629.4(ARHGEF10):c.1712C>T (p.Thr571Ile)

Gene: ARHGEF10 (Rho guanine nucleotide exchange factor 10; plus strand). Cytogenetic location: 8p23.3.
Variant type: single nucleotide variant.
Coding change: c.1712C>T on transcript NM_014629.4 (MANE Select); coding-DNA position 1712, C replaced by T.
Protein change: p.Thr571Ile; replaces threonine 571 with isoleucine.
Molecular consequence: missense variant.
Genome position (GRCh38, 1-based): chr8:1,903,342, C>T. VCF-style: chr8-1903342-C-T. GRCh37 (hg19) VCF-style: chr8-1851508-C-T.
Other names: c.1598C>T, p.Thr533Ile (NM_001308152.2); c.1712C>T, p.Thr571Ile (NM_001308153.3); short protein forms T595I, T533I, T571I.
Identifiers: ClinVar variation 2766809 (VCV002766809.3), dbSNP rs755033103, ClinGen allele CA4600522.